The following is an entry in ClinVar:

NM_007294.4(BRCA1):c.3217_3218del (p.Leu1072_Gly1073insTer)

Genes: BRCA1 (BRCA1 DNA repair associated; minus strand), LOC126862571 (BRD4-independent group 4 enhancer GRCh37_chr17:41243136-41244335; plus strand). Cytogenetic location: 17q21.31.
Variant type: Deletion.
Coding change: c.3217_3218del on transcript NM_007294.4 (MANE Select); coding-DNA positions 3217 to 3218, 2 bases deleted (GG; older notation c.3217_3218delGG).
Protein change: p.Leu1072_Gly1073insTer.
Molecular consequence: nonsense. On other transcripts: intron variant (137), frameshift variant (1).
Genome position (GRCh38, 1-based): chr17:43,092,313-43,092,314, CC deleted on the plus strand (GG on the coding strand, the reverse complement: BRCA1 is on the minus strand). VCF-style (leftmost placement, unchanged base first): chr17-43092312-ACC-A. GRCh37 (hg19) VCF-style: chr17-41244329-ACC-A.
Other names: 3336_3337delGG; c.785-1282_785-1281del (NM_001407986.1, NM_001407972.1, NM_001408397.1 and 13 more transcripts); c.665-1282_665-1281del (NM_001408441.1, NM_001408437.1, NM_001408429.1 and 12 more transcripts); c.788-1282_788-1281del (NM_001407979.1, NM_001407977.1, NM_001407982.1 and 17 more transcripts); c.647-1282_647-1281del (NM_001408410.1, NM_001408458.1, NM_001408469.1 and 11 more transcripts); c.710-1282_710-1281del (NM_001408415.1, NM_001408412.1, NM_001408409.1 and 2 more transcripts); c.578-1282_578-1281del (NM_001408483.1, NM_001408481.1, NM_001408480.1 and 9 more transcripts); c.3217_3218del, p.Leu1072_Gly1073insTer (NM_001407596.1, NM_001407597.1, NM_001407598.1 and 30 more transcripts); and 43 more.
Identifiers: ClinVar variation 266345 (VCV000266345.7), dbSNP rs886040106, ClinGen allele CA10589774.
Genomic context (GRCh38, chr17:43,092,312, plus strand): 5'-GACCTCAGGTTGCAAAACCCCTAATCTAAGCATAGCATTCAATTTTGGCCCTCTGTTTCT[ACC>A]TAGTTCTGCTTGAATGTTTTCATCACTGGAACCTATTTCATTAATACTGGAGCCCACTTC-3'

ClinVar aggregate classification (germline): Pathogenic. Review status: reviewed by expert panel (3 of 4 stars). 3 submissions from 3 submitters: Pathogenic (1). 2 of the submissions do not count toward it. Last evaluated 2016-10-18.

Conditions:
Hereditary breast ovarian cancer syndrome. Also called: Hereditary breast and ovarian cancer syndrome (HBOC); Breast and ovarian cancer; Hereditary breast and ovarian cancer syndrome; Hereditary breast and ovarian cancer; BRCA1- and BRCA2-Associated Hereditary Breast and Ovarian Cancer; Hereditary breast and/or ovarian cancer syndrome. Identifiers: Orphanet 145, MedGen C0677776, MeSH D061325, MONDO:0003582. Disease mechanism: loss of function.
Breast-ovarian cancer, familial, susceptibility to, 1 (BROVCA1). Also called: BRCA1 Hereditary Breast and Ovarian Cancer; OVARIAN CANCER, SUSCEPTIBILITY TO. Identifiers: Orphanet 145, MedGen C2676676, MONDO:0011450, OMIM 604370. Disease mechanism: loss of function.

Submissions (3):

Evidence-based Network for the Interpretation of Germline Mutant Alleles (ENIGMA)
Classification: Pathogenic for Breast-ovarian cancer, familial, susceptibility to, 1. Last evaluated: 2016-10-18. Review status: reviewed by expert panel. Criteria: ENIGMA BRCA1/2 Classification Criteria (2015). Collection method: curation. Allele origin: germline.
Comment: Variant allele predicted to encode a truncated non-functional protein.

Labcorp Genetics (formerly Invitae), Labcorp
Classification: Pathogenic for Hereditary breast ovarian cancer syndrome. Last evaluated: 2025-04-11. Review status: criteria provided, single submitter. Criteria: Invitae Variant Classification Sherloc (09022015). Collection method: clinical testing. Allele origin: germline. Not counted in ClinVar's aggregate classification.
Comment: This sequence change creates a premature translational stop signal (p.Gly1073*) in the BRCA1 gene. It is expected to result in an absent or disrupted protein product. Loss-of-function variants in BRCA1 are known to be pathogenic (PMID: 20104584). This variant is not present in population databases (gnomAD no frequency). This variant has not been reported in the literature in individuals affected with BRCA1-related conditions. ClinVar contains an entry for this variant (Variation ID: 266345). For these reasons, this variant has been classified as Pathogenic.

Consortium of Investigators of Modifiers of BRCA1/2 (CIMBA), c/o University of Cambridge
Classification: Pathogenic for Breast-ovarian cancer, familial, susceptibility to, 1. Last evaluated: 2015-10-02. Review status: criteria provided, single submitter. Criteria: CIMBA Mutation Classification guidelines May 2016. Collection method: clinical testing. Allele origin: germline. Not counted in ClinVar's aggregate classification.

Literature cited by the submitters: PubMed 20104584 (cited by Labcorp Genetics (formerly Invitae), Labcorp).